The following is an entry in ClinVar:

ClinVar aggregate classification (germline): Uncertain significance. Review status: criteria provided, multiple submitters, no conflicts (2 of 4 stars). 2 submissions from 2 submitters: Uncertain significance (2). Last evaluated 2026-07-24.

Conditions:
PLXNA2-related disorder. Also called: PLXNA2-related condition.

Allele frequency attached by ClinVar (database versions not stated): TOPMed below 0.00001; gnomAD 0.00001; gnomAD exomes 0.00002.
gnomAD v4.1: 25 of 1,614,020 alleles (0.0015%); highest among the groups gnomAD compares: African/African-American, 0.0027%; no homozygotes.

Submissions (2):

PreventionGenetics, part of Exact Sciences
Classification: Uncertain significance for PLXNA2-related condition. Last evaluated: 2026-07-24. Review status: criteria provided, single submitter. Criteria: ACMG Guidelines, 2015. Collection method: clinical testing. Allele origin: germline.
Comment: The PLXNA2 c.298G>A variant is predicted to result in the amino acid substitution p.Val100Met. To our knowledge, this variant has not been reported in the literature. This variant is reported in 0.00088% of alleles in individuals of European (Non-Finnish) descent in gnomAD. At this time, the clinical significance of this variant is uncertain due to the absence of conclusive functional and genetic evidence.

Ambry Genetics
Classification: Uncertain significance. Last evaluated: 2024-12-31. Review status: criteria provided, single submitter. Criteria: Ambry Variant Classification Scheme 2023. Collection method: clinical testing. Allele origin: germline.

NM_025179.4(PLXNA2):c.298G>A (p.Val100Met)

Gene: PLXNA2 (plexin A2; minus strand). Cytogenetic location: 1q32.2.
Variant type: single nucleotide variant.
Coding change: c.298G>A on transcript NM_025179.4 (MANE Select); coding-DNA position 298, G replaced by A.
Protein change: p.Val100Met; replaces valine 100 with methionine.
Molecular consequence: missense variant.
Genome position (GRCh38, 1-based): chr1:208,217,625, C>T on the plus strand (G>A on the coding strand, the complement: PLXNA2 is on the minus strand). VCF-style: chr1-208217625-C-T. GRCh37 (hg19) VCF-style: chr1-208390970-C-T.
Other names: short protein forms V100M.
Identifiers: ClinVar variation 2636481 (VCV002636481.3), dbSNP rs1348482018, ClinGen allele CA344559950.
Genomic context (GRCh38, chr1:208,217,625, plus strand): 5'-CAATGATGAGCAGCTTGTTGACATTGTTGGTGAGGGTGAGCACTTCGCTGCAGGGCTGCA[C>T]GATGAGGGGCGGGTAACAAGACTTGTTGTCCTCTTCTGGCCCTGTCTTATGAGCCACCTG-3'
Protein context (NP_079455.3, residues 90-110): DNKSCYPPLI[Val100Met]QPCSEVLTLT